The following is an entry in ClinVar:

ClinVar aggregate classification (germline): Uncertain significance. Review status: criteria provided, multiple submitters, no conflicts (2 of 4 stars). 2 submissions from 2 submitters: Uncertain significance (2). Last evaluated 2024-09-03.

Conditions:
Spastic ataxia 2. Also called: Ataxia, spastic, 2, autosomal recessive. Identifiers: Orphanet 397946, MedGen C1969796, MONDO:0012651, OMIM 611302.
Inborn genetic diseases. Identifiers: MedGen C0950123, MeSH D030342.

Allele frequency attached by ClinVar (database versions not stated): TOPMed 0.00003; gnomAD 0.00009; gnomAD exomes 0.00009; ExAC 0.00012.
gnomAD v4.1: 140 of 1,547,584 alleles (0.009%); highest among the groups gnomAD compares: South Asian, 0.073%; no homozygotes.

Submissions (2):

Ambry Genetics
Classification: Uncertain significance for Inborn genetic diseases. Last evaluated: 2024-09-03. Review status: criteria provided, single submitter. Criteria: Ambry Variant Classification Scheme 2023. Collection method: clinical testing. Allele origin: germline.

Neuberg Centre For Genomic Medicine, NCGM
Classification: Uncertain significance for Spastic ataxia 2. Review status: criteria provided, single submitter. Criteria: ACMG Guidelines, 2015. Collection method: clinical testing. Allele origin: germline. Inheritance: Autosomal recessive inheritance. Affected: yes.
Comment: The missense variant c.3055C>T (p.Arg1019Trp) in KIF1C gene has not been reported previously as a pathogenic variant nor as a benign variant, to our knowledge. The p.Arg1019Trp variant is novel (not in any individuals) in 1000 Genomes and allele frequency of 0.01326% is reported in gnomAD. The amino acid Arg at position 1019 is changed to a Trp changing protein sequence and it might alter its composition and physico-chemical properties. The amino acid change p.Arg1019Trp in KIF1C is predicted as conserved by GERP++ and PhyloP across 100 vertebrates. For these reasons, this variant has been classified as Uncertain Significance.

NM_006612.6(KIF1C):c.3055C>T (p.Arg1019Trp)

Gene: KIF1C (kinesin family member 1C; plus strand). Cytogenetic location: 17p13.2.
Variant type: single nucleotide variant.
Coding change: c.3055C>T on transcript NM_006612.6 (MANE Select); coding-DNA position 3055, C replaced by T.
Protein change: p.Arg1019Trp; replaces arginine 1019 with tryptophan.
Molecular consequence: missense variant.
Genome position (GRCh38, 1-based): chr17:5,023,894, C>T. VCF-style: chr17-5023894-C-T. GRCh37 (hg19) VCF-style: chr17-4927189-C-T.
Other names: c.3055C>T (NM_006612.5); short protein forms R1019W.
Identifiers: ClinVar variation 2585607 (VCV002585607.2), dbSNP rs760667669, ClinGen allele CA8319469.